The following is an entry in ClinVar:

ClinVar aggregate classification (germline): Uncertain significance (1 of 4 stars; one submission).

Conditions:
Primary ciliary dyskinesia 7. Also called: CILIARY DYSKINESIA, PRIMARY, 7, WITH OR WITHOUT SITUS INVERSUS. Identifiers: Orphanet 244, MedGen C2678473, MONDO:0012748, OMIM 611884.

gnomAD v4.1: 4 of 1,610,390 alleles (0.00025%); highest among the groups gnomAD compares: Non-Finnish European, 0.00025%; no homozygotes.

Submission:

Broad Center for Mendelian Genomics, Broad Institute of MIT and Harvard
Classification: Uncertain significance for Primary ciliary dyskinesia 7. Last evaluated: 2025-02-18. Review status: criteria provided, single submitter. Criteria: ACMG Guidelines, 2015. Collection method: curation. Allele origin: germline. Inheritance: Autosomal recessive inheritance.
Comment: The p.Gln2638Arg variant in DNAH11 has been reported, in the homozygous state, in 1 individual with primary ciliary dyskinesia (PMID: 29363216), and has been identified in 0.002% (1/63996) of European (Finnish) chromosomes by the Genome Aggregation Database (gnomAD; dbSNP rs1417718316). Although this variant has been seen in the general population in a heterozygous state, its frequency is low enough to be consistent with a recessive carrier frequency. Computational prediction tools and conservation analyses suggest that this variant may impact the protein, though this information is not predictive enough to determine pathogenicity. In summary, the clinical significance of the p.Gln2638Arg variant is uncertain. ACMG/AMP Criteria applied: PP3, PM2_suuporting, PM3_supporting (Richards 2015).

NM_001277115.2(DNAH11):c.7913A>G (p.Gln2638Arg)

Gene: DNAH11 (dynein axonemal heavy chain 11; plus strand). Cytogenetic location: 7p15.3.
Variant type: single nucleotide variant.
Coding change: c.7913A>G on transcript NM_001277115.2 (MANE Select); coding-DNA position 7913, A replaced by G.
Protein change: p.Gln2638Arg; replaces glutamine 2638 with arginine.
Molecular consequence: missense variant.
Genome position (GRCh38, 1-based): chr7:21,739,672, A>G. VCF-style: chr7-21739672-A-G. GRCh37 (hg19) VCF-style: chr7-21779290-A-G.
Other names: NM_001277115.2:c.7913A>G; short protein forms Q2638R.
Identifiers: ClinVar variation 3776934 (VCV003776934.1).